The following is an entry in ClinVar:

ClinVar aggregate classification (germline): Uncertain significance (1 of 4 stars; one submission).

Conditions:
Cardiovascular phenotype. Identifiers: MedGen CN230736.

Submission:

Ambry Genetics
Classification: Uncertain significance for Cardiovascular phenotype. Last evaluated: 2025-12-26. Review status: criteria provided, single submitter. Criteria: Ambry Variant Classification Scheme 2023. Collection method: clinical testing. Allele origin: germline.
Comment: The p.G173S variant (also known as c.517G>A), located in coding exon 4 of the ENG gene, results from a G to A substitution at nucleotide position 517. The glycine at codon 173 is replaced by serine, an amino acid with similar properties. This amino acid position is conserved. In addition, this alteration is predicted to be tolerated by in silico analysis. Based on the available evidence, the clinical significance of this variant remains unclear.

NM_001114753.3(ENG):c.517G>A (p.Gly173Ser)

Gene: ENG (endoglin; minus strand). Cytogenetic location: 9q34.11.
Variant type: single nucleotide variant.
Coding change: c.517G>A on transcript NM_001114753.3 (MANE Select); coding-DNA position 517, G replaced by A.
Protein change: p.Gly173Ser; replaces glycine 173 with serine.
Molecular consequence: missense variant. On other transcripts: 5 prime UTR variant (1).
Genome position (GRCh38, 1-based): chr9:127,826,516, C>T on the plus strand (G>A on the coding strand, the complement: ENG is on the minus strand). VCF-style: chr9-127826516-C-T. GRCh37 (hg19) VCF-style: chr9-130588795-C-T.
Other names: c.517G>A, p.Gly173Ser (NM_000118.4, NM_001406715.1); c.-30G>A (NM_001278138.2); short protein forms G173S.
Identifiers: ClinVar variation 4843455 (VCV004843455.1).